The following is an entry in ClinVar:

NC_000003.11:g.(?_142172542)_(142176606_?)del

Gene: ATR (ATR serine/threonine kinase; minus strand). Cytogenetic location: 3q23.
Variant type: Deletion.
Identifiers: ClinVar variation 3246965 (VCV003246965.1).

ClinVar aggregate classification (germline): Pathogenic (1 of 4 stars; one submission).

Submission:

Labcorp Genetics (formerly Invitae), Labcorp
Classification: Pathogenic. Last evaluated: 2023-11-28. Review status: criteria provided, single submitter. Criteria: Invitae Variant Classification Sherloc (09022015). Collection method: clinical testing. Allele origin: unknown.
Comment: This variant is a gross deletion of the genomic region encompassing exon(s) 45 of the ATR gene. This deletion is out-of-frame, and is expected to create a premature termination codon and result in an absent or disrupted protein product. Loss-of-function variants in ATR are known to be pathogenic (PMID: 21228398, 23144622). This variant has not been reported in the literature in individuals affected with ATR-related conditions. For these reasons, this variant has been classified as Pathogenic.

Literature cited by the submitters: PubMed 21228398; PubMed 23144622.